The following is an entry in ClinVar:

ClinVar aggregate classification (germline): Pathogenic (1 of 4 stars; one submission).

Conditions:
ALG11-congenital disorder of glycosylation. Also called: CONGENITAL DISORDER OF GLYCOSYLATION, TYPE Ip; ALG11-CDG. Identifiers: Orphanet 280071, MedGen C3150913, MONDO:0013349, OMIM 613661.

Submission:

Women's Health and Genetics/Laboratory Corporation of America, LabCorp
Classification: Pathogenic for ALG11-congenital disorder of glycosylation. Last evaluated: 2024-06-13. Review status: criteria provided, single submitter. Criteria: LabCorp Variant Classification Summary - May 2015. Collection method: clinical testing. Allele origin: germline.
Comment: Variant summary: The variant involves the deletion of the whole ALG11gene involving exons 1-4. A presumed nomenclature of c.(?_-22)_(*5011_?)del has been designated for the purposes of this classification. This deletion includes the entire coding sequence of the gene. As the exact proximal and distal breakpoints are unknown, it may extend beyond the annotated region of the gene to include other flanking genes. The variant was absent in 21694 control chromosomes. c.(?_-22)_(*5011_?)del has been reported in the literature in a setting of whole exome sequencing in at least one compound heterozygous individual affected with ALG11-Congenital Disorder Of Glycosylation (e.g. Haanpaa_2019). To our knowledge, no experimental evidence demonstrating an impact on protein function has been reported. The following publication has been ascertained in the context of this evaluation (PMID: 30676690). ClinVar contains an entry for this variant (Variation ID: 1073825). Based on the evidence outlined above, the variant was classified as pathogenic.

Literature cited by the submitters: PubMed 30676690.

NC_000013.10:g.(?_52586533)_(52607737_?)del

Genes: ALG11 (ALG11 alpha-1,2-mannosyltransferase; plus strand), UTP14C (UTP14C small subunit processome component; plus strand). Cytogenetic location: 13q14.3.
Variant type: Deletion.
Identifiers: ClinVar variation 3339549 (VCV003339549.1).